The following is an entry in ClinVar:

ClinVar aggregate classification (germline): Uncertain significance (1 of 4 stars; one submission).

Submission:

GeneDx
Classification: Uncertain significance. Last evaluated: 2022-03-23. Review status: criteria provided, single submitter. Criteria: GeneDx Variant Classification Process June 2021. Collection method: clinical testing. Allele origin: germline. Affected: yes.
Comment: Not observed at significant frequency in large population cohorts (gnomAD); In silico analysis supports that this missense variant does not alter protein structure/function; Has not been previously published as pathogenic or benign to our knowledge

NM_004208.4(AIFM1):c.1171A>G (p.Thr391Ala)

Genes: RAB33A (RAB33A, member RAS oncogene family; plus strand), AIFM1 (apoptosis inducing factor mitochondria associated 1; minus strand). Cytogenetic location: Xq26.1.
Variant type: single nucleotide variant.
Coding change: c.1171A>G on transcript NM_004208.4 (MANE Select); coding-DNA position 1171, A replaced by G.
Protein change: p.Thr391Ala; replaces threonine 391 with alanine.
Molecular consequence: missense variant. On other transcripts: 3 prime UTR variant (1), non-coding transcript variant (1).
Genome position (GRCh38, 1-based): chrX:130,136,179, T>C on the plus strand (A>G on the coding strand, the complement: AIFM1 is on the minus strand). VCF-style: chrX-130136179-T-C. GRCh37 (hg19) VCF-style: chrX-129270154-T-C.
Other names: c.154A>G, p.Thr52Ala (NM_001130846.4); c.*399A>G (NM_001130847.4); c.1159A>G, p.Thr387Ala (NM_145812.3); short protein forms T387A, T391A, T52A.
Identifiers: ClinVar variation 1706681 (VCV001706681.2), dbSNP rs2523117705, ClinGen allele CA414575749.
Genomic context (GRCh38, chrX:130,136,179, plus strand): 5'-CACCAGTCTTGGCCAACTCAACATTGGGCTCCAGGCCCACAGCTGCCACTATGTGGTCAG[T>C]TTCTACCTGAGGCAAAAAAGAAATAATTCAGTCAATTACCACAGTTTCCATTTATGCCTA-3'
Protein context (NP_004199.1, residues 381-401): IKLKDGRKVE[Thr391Ala]DHIVAAVGLE